The following is an entry in ClinVar:

ClinVar aggregate classification (germline): Conflicting classifications of pathogenicity. Review status: criteria provided, conflicting classifications (1 of 4 stars). 4 submissions from 4 submitters: Uncertain significance (1); Likely benign (3). Last evaluated 2025-02-28.

Conditions:
Inborn genetic diseases. Identifiers: MedGen C0950123, MeSH D030342.
SERPINA1-related disorder. Also called: SERPINA1-related condition; SerpinA1-related disorders.
Alpha-1-antitrypsin deficiency (A1ATD). Also called: AAT deficiency; A1AT deficiency; Alpha1-Antitrypsin Deficiency. Identifiers: Orphanet 60, MedGen C0221757, MONDO:0013282, OMIM 613490.

gnomAD v4.1: 32 of 1,613,914 alleles (0.002%); highest among the groups gnomAD compares: East Asian, 0.013%; no homozygotes.

Submissions (4):

PreventionGenetics, part of Exact Sciences
Classification: Likely benign for SERPINA1-related condition. Last evaluated: 2025-02-28. Review status: criteria provided, single submitter. Criteria: ACMG Guidelines, 2015. Collection method: clinical testing. Allele origin: germline.
Comment: This variant is classified as likely benign based on ACMG/AMP sequence variant interpretation guidelines (Richards et al. 2015 PMID: 25741868, with internal and published modifications).

Labcorp Genetics (formerly Invitae), Labcorp
Classification: Likely benign for Alpha-1-antitrypsin deficiency. Last evaluated: 2024-09-04. Review status: criteria provided, single submitter. Criteria: Invitae Variant Classification Sherloc (09022015). Collection method: clinical testing. Allele origin: germline.

Ambry Genetics
Classification: Likely benign for Inborn genetic diseases. Last evaluated: 2019-09-06. Review status: criteria provided, single submitter. Criteria: Ambry Variant Classification Scheme 2023. Collection method: clinical testing. Allele origin: germline.

Illumina Laboratory Services, Illumina
Classification: Uncertain significance for Alpha-1-antitrypsin deficiency. Last evaluated: 2018-01-13. Review status: criteria provided, single submitter. Criteria: ICSL Variant Classification Criteria 13 December 2019. Collection method: clinical testing. Allele origin: germline.

NM_000295.5(SERPINA1):c.1095C>T (p.Asp365=)

Gene: SERPINA1 (serpin family A member 1; minus strand). Cytogenetic location: 14q32.13.
Variant type: single nucleotide variant.
Coding change: c.1095C>T on transcript NM_000295.5 (MANE Select); coding-DNA position 1095, C replaced by T.
Protein change: p.Asp365=; no amino-acid change (aspartic acid 365 retained).
Molecular consequence: synonymous variant.
Genome position (GRCh38, 1-based): chr14:94,378,611, G>A on the plus strand (C>T on the coding strand, the complement: SERPINA1 is on the minus strand). VCF-style: chr14-94378611-G-A. GRCh37 (hg19) VCF-style: chr14-94844948-G-A.
Other names: c.1095C>T, p.Asp365= (NM_001002235.3, NM_001002236.3, NM_001127700.2 and 7 more transcripts).
Identifiers: ClinVar variation 315023 (VCV000315023.19), dbSNP rs201774333, ClinGen allele CA7327281.